The following is an entry in ClinVar:

ClinVar aggregate classification (germline): Likely pathogenic (1 of 4 stars; one submission).

Conditions:
Pendred syndrome (PDS). Also called: THYROID DYSHORMONOGENESIS 2B; THYROID HORMONOGENESIS, GENETIC DEFECT IN, 2B; Pendred Syndrome (PDS); DEAFNESS WITH GOITER; GOITER-DEAFNESS SYNDROME; HYPOTHYROIDISM, CONGENITAL, DUE TO DYSHORMONOGENESIS, 2B. Identifiers: Orphanet 705, MedGen C0271829, MONDO:0010134, OMIM 274600.

Submission:

Natera, Inc.
Classification: Likely pathogenic for Pendred syndrome. Last evaluated: 2024-04-20. Review status: criteria provided, single submitter. Criteria: Natera Variant Classification Schema (03/2026). Collection method: clinical testing. Allele origin: germline.
Comment: The c.2230G>T variant in SLC26A4 is a nonsense variant predicted to introduce a stop codon at amino acid 744. This variant is expected to result in nonsense mediated decay, truncation, or a dysfunctional protein product. This variant is rare in the general population with a frequency below the threshold expected for the associated phenotype(s). Given the available evidence, this variant is classified as Likely Pathogenic.

NM_000441.2(SLC26A4):c.2230G>T (p.Glu744Ter)

Gene: SLC26A4 (solute carrier family 26 member 4; plus strand). Cytogenetic location: 7q22.3.
Variant type: single nucleotide variant.
Coding change: c.2230G>T on transcript NM_000441.2 (MANE Select); coding-DNA position 2230, G replaced by T.
Protein change: p.Glu744Ter; replaces glutamic acid 744 with a stop codon.
Molecular consequence: nonsense.
Genome position (GRCh38, 1-based): chr7:107,710,194, G>T. VCF-style: chr7-107710194-G-T. GRCh37 (hg19) VCF-style: chr7-107350639-G-T.
Other names: short protein forms E744*.
Identifiers: ClinVar variation 4818370 (VCV004818370.1).